The following is an entry in ClinVar:

NM_001197104.2(KMT2A):c.1003G>A (p.Glu335Lys)

Gene: KMT2A (lysine methyltransferase 2A; plus strand). Cytogenetic location: 11q23.3.
Variant type: single nucleotide variant.
Coding change: c.1003G>A on transcript NM_001197104.2 (MANE Select); coding-DNA position 1003, G replaced by A.
Protein change: p.Glu335Lys; replaces glutamic acid 335 with lysine.
Molecular consequence: missense variant.
Genome position (GRCh38, 1-based): chr11:118,472,162, G>A. VCF-style: chr11-118472162-G-A. GRCh37 (hg19) VCF-style: chr11-118342877-G-A.
Other names: c.1102G>A, p.Glu368Lys (NM_001412597.1); c.1003G>A, p.Glu335Lys (NM_005933.4); short protein forms E335K, E368K.
Identifiers: ClinVar variation 2870645 (VCV002870645.3), dbSNP rs1433826173, ClinGen allele CA382808802.

ClinVar aggregate classification (germline): Uncertain significance (1 of 4 stars; one submission).

Allele frequency attached by ClinVar (database versions not stated): TOPMed below 0.00001.

Submission:

Labcorp Genetics (formerly Invitae), Labcorp
Classification: Uncertain significance. Last evaluated: 2023-11-13. Review status: criteria provided, single submitter. Criteria: Invitae Variant Classification Sherloc (09022015). Collection method: clinical testing. Allele origin: germline.
Comment: This sequence change replaces glutamic acid, which is acidic and polar, with lysine, which is basic and polar, at codon 335 of the KMT2A protein (p.Glu335Lys). This variant is present in population databases (no rsID available, gnomAD 0.007%). This variant has not been reported in the literature in individuals affected with KMT2A-related conditions. Advanced modeling of protein sequence and biophysical properties (such as structural, functional, and spatial information, amino acid conservation, physicochemical variation, residue mobility, and thermodynamic stability) performed at Invitae indicates that this missense variant is not expected to disrupt KMT2A protein function with a negative predictive value of 95%. In summary, the available evidence is currently insufficient to determine the role of this variant in disease. Therefore, it has been classified as a Variant of Uncertain Significance.